The following is an entry in ClinVar:

ClinVar aggregate classification (germline): Uncertain significance (1 of 4 stars; one submission).

Conditions:
JMJD1C-related disorder. Also called: JMJD1C-related condition.

Submission:

PreventionGenetics, part of Exact Sciences
Classification: Uncertain significance for JMJD1C-related condition. Last evaluated: 2025-10-27. Review status: criteria provided, single submitter. Criteria: ACMG Guidelines, 2015. Collection method: clinical testing. Allele origin: germline.
Comment: The JMJD1C c.2833_2835delCCA variant is predicted to result in an in-frame deletion (p.Pro945del). To our knowledge, this variant has not been reported in the literature or in a large population database (gnomAD), indicating this variant is rare. At this time, the clinical significance of this variant is uncertain due to the absence of conclusive functional and genetic evidence.

NM_032776.3(JMJD1C):c.2830CCA[1] (p.Pro945del)

Gene: JMJD1C (jumonji domain containing 1C; minus strand). Cytogenetic location: 10q21.3.
Variant type: Microsatellite.
Coding change: c.2830CCA[1] on transcript NM_032776.3 (MANE Select); one copy of the 3-base unit CCA starting at c.2830; the reference has two copies in a row; one copy, 3 bases deleted.
Protein change: p.Pro945del; deletes proline 945.
Molecular consequence: inframe deletion. On other transcripts: non-coding transcript variant (1).
Genome position (GRCh38, 1-based): chr10:63,209,095-63,209,097, TGG deleted on the plus strand (CCA on the coding strand, the reverse complement: JMJD1C is on the minus strand); deleting any 3 consecutive bases within chr10:63,209,095-63,209,100 gives the same sequence; the position shown is the placement nearest the transcript's 3' end. VCF-style (leftmost placement, unchanged base first): chr10-63209094-ATGG-A. GRCh37 (hg19) VCF-style: chr10-64968854-ATGG-A.
Other names: c.2284CCA[1], p.Pro763del (NM_001282948.2, NM_001318154.2); c.1966CCA[1], p.Pro657del (NM_001318153.2); c.2716CCA[1], p.Pro907del (NM_001322252.2); c.2173CCA[1], p.Pro726del (NM_001322254.2, NM_001322258.2); short protein forms P763del, P726del, P907del, P657del, P945del.
Identifiers: ClinVar variation 4993668 (VCV004993668.1).